The following is an entry in ClinVar:

NC_000001.10:g.(?_243437825)_(243437978_?)del

Gene: SDCCAG8 (SHH signaling and ciliogenesis regulator SDCCAG8; plus strand). Cytogenetic location: 1q43.
Variant type: Deletion.
Identifiers: ClinVar variation 2425628 (VCV002425628.4).

ClinVar aggregate classification (germline): Uncertain significance (1 of 4 stars; one submission).

Conditions:
Senior-Loken syndrome 7 (SLSN7). Identifiers: Orphanet 3156, MedGen C3150877, MONDO:0013326, OMIM 613615.
Bardet-Biedl syndrome 16 (BBS16). Identifiers: Orphanet 110, MedGen C3889474, MONDO:0014444, OMIM 615993.

Submission:

Labcorp Genetics (formerly Invitae), Labcorp
Classification: Uncertain significance for Bardet-Biedl syndrome 16; Senior-Loken syndrome 7. Last evaluated: 2022-08-08. Review status: criteria provided, single submitter. Criteria: Invitae Variant Classification Sherloc (09022015). Collection method: clinical testing. Allele origin: germline.
Comment: In summary, the available evidence is currently insufficient to determine the role of this variant in disease. Therefore, it has been classified as a Variant of Uncertain Significance. Experimental studies and prediction algorithms are not available or were not evaluated, and the functional significance of this variant is currently unknown. This variant has not been reported in the literature in individuals affected with SDCCAG8-related conditions. This variant is a gross deletion of the genomic region encompassing exon(s) 4 of the SDCCAG8 gene. This variant would be expected to be in-frame, preserving the integrity of the reading frame.